The following is an entry in ClinVar:

ClinVar aggregate classification (germline): Uncertain significance. Review status: criteria provided, multiple submitters, no conflicts (2 of 4 stars). 4 submissions from 4 submitters: Uncertain significance (4). Last evaluated 2024-10-24.

Allele frequency attached by ClinVar (database versions not stated): gnomAD exomes 0.00004 and 0.00007; TOPMed 0.00005; gnomAD 0.00007.
gnomAD v4.1: 116 of 1,549,204 alleles (0.0075%); highest among the groups gnomAD compares: Non-Finnish European, 0.0091%; no homozygotes.

Submissions (4):

Blueprint Genetics
Classification: Uncertain significance. Last evaluated: 2024-10-24. Review status: criteria provided, single submitter. Criteria: ACMG Guidelines, 2015. Collection method: clinical testing. Allele origin: germline.

Athena Diagnostics
Classification: Uncertain significance. Last evaluated: 2024-07-30. Review status: criteria provided, single submitter. Criteria: Athena Diagnostics Criteria. Collection method: clinical testing. Allele origin: unknown.
Comment: Available data are insufficient to determine the clinical significance of the variant at this time. The frequency of this variant in the general population is uninformative in assessment of its pathogenicity. Polyphen and MutationTaster predict this amino acid change may be benign.

Labcorp Genetics (formerly Invitae), Labcorp
Classification: Uncertain significance. Last evaluated: 2022-03-23. Review status: criteria provided, single submitter. Criteria: Invitae Variant Classification Sherloc (09022015). Collection method: clinical testing. Allele origin: germline.
Comment: This sequence change replaces proline, which is neutral and non-polar, with leucine, which is neutral and non-polar, at codon 647 of the PDZD7 protein (p.Pro647Leu). This variant is present in population databases (no rsID available, gnomAD 0.01%). This variant has not been reported in the literature in individuals affected with PDZD7-related conditions. ClinVar contains an entry for this variant (Variation ID: 805116). Algorithms developed to predict the effect of missense changes on protein structure and function are either unavailable or do not agree on the potential impact of this missense change (SIFT: "Deleterious"; PolyPhen-2: "Not Available"; Align-GVGD: "Class C0"). In summary, the available evidence is currently insufficient to determine the role of this variant in disease. Therefore, it has been classified as a Variant of Uncertain Significance.

Mayo Clinic Laboratories, Mayo Clinic
Classification: Uncertain significance. Last evaluated: 2022-03-15. Review status: criteria provided, single submitter. Criteria: ACMG Guidelines, 2015. Collection method: clinical testing. Allele origin: germline. Observed: 1 variant allele.
Comment: PM2

NM_001195263.2(PDZD7):c.1940C>T (p.Pro647Leu)

Gene: PDZD7 (PDZ domain containing 7; minus strand). Cytogenetic location: 10q24.31.
Variant type: single nucleotide variant.
Coding change: c.1940C>T on transcript NM_001195263.2 (MANE Select); coding-DNA position 1940, C replaced by T.
Protein change: p.Pro647Leu; replaces proline 647 with leucine.
Molecular consequence: missense variant.
Genome position (GRCh38, 1-based): chr10:101,011,755, G>A on the plus strand (C>T on the coding strand, the complement: PDZD7 is on the minus strand). VCF-style: chr10-101011755-G-A. GRCh37 (hg19) VCF-style: chr10-102771512-G-A.
Other names: p.Pro647Leu; short protein forms P647L.
Identifiers: ClinVar variation 805116 (VCV000805116.10), dbSNP rs1013083731, ClinGen allele CA212979468.